The following is an entry in ClinVar:

NM_003803.4(MYOM1):c.311T>C (p.Leu104Pro)

Gene: MYOM1 (myomesin 1; minus strand). Cytogenetic location: 18p11.31.
Variant type: single nucleotide variant.
Coding change: c.311T>C on transcript NM_003803.4 (MANE Select); coding-DNA position 311, T replaced by C.
Protein change: p.Leu104Pro; replaces leucine 104 with proline.
Molecular consequence: missense variant.
Genome position (GRCh38, 1-based): chr18:3,193,938, A>G on the plus strand (T>C on the coding strand, the complement: MYOM1 is on the minus strand). VCF-style: chr18-3193938-A-G. GRCh37 (hg19) VCF-style: chr18-3193936-A-G.
Other names: c.311T>C, p.Leu104Pro (NM_019856.2); short protein forms L104P.
Identifiers: ClinVar variation 1727851 (VCV001727851.2), dbSNP rs2510726695, ClinGen allele CA401717393.
Genomic context (GRCh38, chr18:3,193,938, plus strand): 5'-AGTAGGCTGTGCTTGGCTCTCTTTGGTTTGGGGCTCAACTTGGATGAATAATCATCTAAC[A>G]GCAGACTGGAATCTGTAAGTCTGAAATAAACCACCTAACATCAGACAGTAACAAAAAAAG-3'
Protein context (NP_003794.3, residues 94-114): SSHGLTDSSL[Leu104Pro]LDDYSSKLSP

ClinVar aggregate classification (germline): Uncertain significance (1 of 4 stars; one submission).

Submission:

Ambry Genetics
Classification: Uncertain significance. Last evaluated: 2022-07-14. Review status: criteria provided, single submitter. Criteria: Ambry Variant Classification Scheme 2023. Collection method: clinical testing. Allele origin: germline.
Comment: The p.L104P variant (also known as c.311T>C), located in coding exon 2 of the MYOM1 gene, results from a T to C substitution at nucleotide position 311. The leucine at codon 104 is replaced by proline, an amino acid with similar properties. This amino acid position is conserved. In addition, this alteration is predicted to be tolerated by in silico analysis. Since supporting evidence is limited at this time, the clinical significance of this alteration remains unclear.